The following is an entry in ClinVar:

ClinVar aggregate classification (germline): Uncertain significance (1 of 4 stars; one submission).

Conditions:
Distal myopathy with posterior leg and anterior hand involvement. Also called: WILLIAMS DISTAL MYOPATHY. Identifiers: Orphanet 63273, MedGen C3279722, MONDO:0013550, OMIM 614065.
Hypertrophic cardiomyopathy 26. Also called: Cardiomyopathy, familial hypertrophic, 26. Identifiers: Orphanet 75249, MedGen C4310749, MONDO:0014883, OMIM 617047.
Myofibrillar myopathy 5. Also called: Filaminopathy (type); FILAMINOPATHY, AUTOSOMAL DOMINANT. Identifiers: Orphanet 171445, MedGen C1836050, MONDO:0012289, OMIM 609524.

Submission:

Labcorp Genetics (formerly Invitae), Labcorp
Classification: Uncertain significance for Distal myopathy with posterior leg and anterior hand involvement; Myofibrillar myopathy 5; Hypertrophic cardiomyopathy 26. Last evaluated: 2024-11-17. Review status: criteria provided, single submitter. Criteria: Invitae Variant Classification Sherloc (09022015). Collection method: clinical testing. Allele origin: germline.
Comment: This sequence change replaces lysine, which is basic and polar, with arginine, which is basic and polar, at codon 931 of the FLNC protein (p.Lys931Arg). This variant is not present in population databases (gnomAD no frequency). This variant has not been reported in the literature in individuals affected with FLNC-related conditions. Invitae Evidence Modeling of protein sequence and biophysical properties (such as structural, functional, and spatial information, amino acid conservation, physicochemical variation, residue mobility, and thermodynamic stability) has been performed for this missense variant. However, the output from this modeling did not meet the statistical confidence thresholds required to predict the impact of this variant on FLNC protein function. Algorithms developed to predict the effect of sequence changes on RNA splicing suggest that this variant may disrupt the consensus splice site. In summary, the available evidence is currently insufficient to determine the role of this variant in disease. Therefore, it has been classified as a Variant of Uncertain Significance.

NM_001458.5(FLNC):c.2792A>G (p.Lys931Arg)

Gene: FLNC (filamin C; plus strand). Cytogenetic location: 7q32.1.
Variant type: single nucleotide variant.
Coding change: c.2792A>G on transcript NM_001458.5 (MANE Select); coding-DNA position 2792, A replaced by G.
Protein change: p.Lys931Arg; replaces lysine 931 with arginine.
Molecular consequence: missense variant.
Genome position (GRCh38, 1-based): chr7:128,843,558, A>G. VCF-style: chr7-128843558-A-G. GRCh37 (hg19) VCF-style: chr7-128483612-A-G.
Other names: c.2792A>G, p.Lys931Arg (NM_001127487.2); short protein forms K931R.
Identifiers: ClinVar variation 3758902 (VCV003758902.2).